The following is an entry in ClinVar:

NM_001372.4(DNAH9):c.10242+4C>G

Gene: DNAH9 (dynein axonemal heavy chain 9; plus strand). Cytogenetic location: 17p12.
Variant type: single nucleotide variant.
Coding change: c.10242+4C>G on transcript NM_001372.4 (MANE Select); 4 bases into the intron after coding-DNA position 10242, C replaced by G.
Molecular consequence: intron variant.
Genome position (GRCh38, 1-based): chr17:11,871,790, C>G. VCF-style: chr17-11871790-C-G. GRCh37 (hg19) VCF-style: chr17-11775107-C-G.
Identifiers: ClinVar variation 1917098 (VCV001917098.6), dbSNP rs371080392, ClinGen allele CA8397442.
Genomic context (GRCh38, chr17:11,871,790, plus strand): 5'-AAATACCGGCAGAGCCTCCTGGACAGAACTTGGAGGCCCTACCTGAGCCAGCTGAAAGTA[C>G]GTATGGCCTGAATTTCTCCCGACCACATCAGCCTCTGGGCACCAATGGGAAGACATCACG-3'

ClinVar aggregate classification (germline): Conflicting classifications of pathogenicity. Review status: criteria provided, conflicting classifications (1 of 4 stars). 2 submissions from 2 submitters: Uncertain significance (1); Likely benign (1). Last evaluated 2024-10-16.

Allele frequency attached by ClinVar (database versions not stated): gnomAD 0.00002.
gnomAD v4.1: 21 of 1,613,266 alleles (0.0013%); highest among the groups gnomAD compares: Admixed American, 0.0033%; no homozygotes.

Submissions (2):

Blueprint Genetics
Classification: Likely benign. Last evaluated: 2024-10-16. Review status: criteria provided, single submitter. Criteria: ACMG Guidelines, 2015. Collection method: clinical testing. Allele origin: germline.

Labcorp Genetics (formerly Invitae), Labcorp
Classification: Uncertain significance. Last evaluated: 2024-08-13. Review status: criteria provided, single submitter. Criteria: Invitae Variant Classification Sherloc (09022015). Collection method: clinical testing. Allele origin: germline.
Comment: This sequence change falls in intron 52 of the DNAH9 gene. It does not directly change the encoded amino acid sequence of the DNAH9 protein. It affects a nucleotide within the consensus splice site. This variant is present in population databases (rs371080392, gnomAD 0.004%). This variant has not been reported in the literature in individuals affected with DNAH9-related conditions. ClinVar contains an entry for this variant (Variation ID: 1917098). Variants that disrupt the consensus splice site are a relatively common cause of aberrant splicing (PMID: 17576681, 9536098). Algorithms developed to predict the effect of sequence changes on RNA splicing suggest that this variant may create or strengthen a splice site. In summary, the available evidence is currently insufficient to determine the role of this variant in disease. Therefore, it has been classified as a Variant of Uncertain Significance.

Literature cited by the submitters: PubMed 17576681 (cited by Labcorp Genetics (formerly Invitae), Labcorp); PubMed 9536098 (cited by Labcorp Genetics (formerly Invitae), Labcorp).